The following is an entry in ClinVar:

NM_022132.5(MCCC2):c.1410C>T (p.Ile470=)

Gene: MCCC2 (methylcrotonyl-CoA carboxylase subunit 2; plus strand). Cytogenetic location: 5q13.2.
Variant type: single nucleotide variant.
Coding change: c.1410C>T on transcript NM_022132.5 (MANE Select); coding-DNA position 1410, C replaced by T.
Protein change: p.Ile470=; no amino-acid change (isoleucine 470 retained).
Molecular consequence: synonymous variant.
Genome position (GRCh38, 1-based): chr5:71,650,105, C>T. VCF-style: chr5-71650105-C-T. GRCh37 (hg19) VCF-style: chr5-70945932-C-T.
Other names: c.1296C>T, p.Ile432= (NM_001363147.1).
Identifiers: ClinVar variation 2655509 (VCV002655509.24), dbSNP rs746527479, ClinGen allele CA444802807.

ClinVar aggregate classification (germline): Likely benign (1 of 4 stars; one submission).

gnomAD v4.1: 4 of 1,614,206 alleles (0.00025%); highest among the groups gnomAD compares: Non-Finnish European, 0.00034%; no homozygotes.

Submission:

CeGaT Center for Human Genetics Tuebingen
Classification: Likely benign. Last evaluated: 2022-06-01. Review status: criteria provided, single submitter. Criteria: CeGaT Center For Human Genetics Tuebingen Variant Classification Criteria Version 2. Collection method: clinical testing. Allele origin: germline. Affected: yes. Observed: 1 variant allele.
Comment: MCCC2: PM2:Supporting, BP4, BP7